The following is an entry in ClinVar:

NM_001077653.2(TBX20):c.578G>A (p.Gly193Asp)

Gene: TBX20 (T-box transcription factor 20; minus strand). Cytogenetic location: 7p14.2.
Variant type: single nucleotide variant.
Coding change: c.578G>A on transcript NM_001077653.2 (MANE Select); coding-DNA position 578, G replaced by A.
Protein change: p.Gly193Asp; replaces glycine 193 with aspartic acid.
Molecular consequence: missense variant.
Genome position (GRCh38, 1-based): chr7:35,245,025, C>T on the plus strand (G>A on the coding strand, the complement: TBX20 is on the minus strand). VCF-style: chr7-35245025-C-T. GRCh37 (hg19) VCF-style: chr7-35284637-C-T.
Other names: c.578G>A, p.Gly193Asp (NM_001166220.1); short protein forms G193D.
Identifiers: ClinVar variation 4739829 (VCV004739829.1).

ClinVar aggregate classification (germline): Uncertain significance (1 of 4 stars; one submission).

Submission:

Labcorp Genetics (formerly Invitae), Labcorp
Classification: Uncertain significance. Last evaluated: 2025-07-29. Review status: criteria provided, single submitter. Criteria: Invitae Variant Classification Sherloc (09022015). Collection method: clinical testing. Allele origin: germline.
Comment: This sequence change replaces glycine, which is neutral and non-polar, with aspartic acid, which is acidic and polar, at codon 193 of the TBX20 protein (p.Gly193Asp). This variant is not present in population databases (gnomAD no frequency). This variant has not been reported in the literature in individuals affected with TBX20-related conditions. Invitae Evidence Modeling of protein sequence and biophysical properties (such as structural, functional, and spatial information, amino acid conservation, physicochemical variation, residue mobility, and thermodynamic stability) indicates that this missense variant is expected to disrupt TBX20 protein function with a positive predictive value of 80%. In summary, the available evidence is currently insufficient to determine the role of this variant in disease. Therefore, it has been classified as a Variant of Uncertain Significance.